The following is an entry in ClinVar:

ClinVar aggregate classification (germline): Uncertain significance (1 of 4 stars; one submission).

Submission:

Labcorp Genetics (formerly Invitae), Labcorp
Classification: Uncertain significance. Last evaluated: 2024-10-28. Review status: criteria provided, single submitter. Criteria: Invitae Variant Classification Sherloc (09022015). Collection method: clinical testing. Allele origin: germline.
Comment: This sequence change replaces leucine, which is neutral and non-polar, with valine, which is neutral and non-polar, at codon 143 of the FOXP1 protein (p.Leu143Val). This variant is not present in population databases (gnomAD no frequency). This variant has not been reported in the literature in individuals affected with FOXP1-related conditions. Invitae Evidence Modeling of protein sequence and biophysical properties (such as structural, functional, and spatial information, amino acid conservation, physicochemical variation, residue mobility, and thermodynamic stability) indicates that this missense variant is not expected to disrupt FOXP1 protein function with a negative predictive value of 80%. In summary, the available evidence is currently insufficient to determine the role of this variant in disease. Therefore, it has been classified as a Variant of Uncertain Significance.

NM_001349338.3(FOXP1):c.427C>G (p.Leu143Val)

Gene: FOXP1 (forkhead box P1; minus strand). Cytogenetic location: 3p13.
Variant type: single nucleotide variant.
Coding change: c.427C>G on transcript NM_001349338.3 (MANE Select); coding-DNA position 427, C replaced by G.
Protein change: p.Leu143Val; replaces leucine 143 with valine.
Molecular consequence: missense variant. On other transcripts: non-coding transcript variant (2), intron variant (1).
Genome position (GRCh38, 1-based): chr3:71,052,620, G>C on the plus strand (C>G on the coding strand, the complement: FOXP1 is on the minus strand). VCF-style: chr3-71052620-G-C. GRCh37 (hg19) VCF-style: chr3-71101771-G-C.
Other names: c.283-5525C>G (NM_001244812.3); c.427C>G, p.Leu143Val (NM_001244808.3, NM_001244810.2, NM_001244814.3 and 4 more transcripts); c.127C>G, p.Leu43Val (NM_001244813.3, NM_001244815.2, NM_001349342.3 and 1 more transcripts); c.124C>G, p.Leu42Val (NM_001349337.2, NM_001349343.3, NM_001349344.3); c.424C>G, p.Leu142Val (NM_001349341.3); short protein forms L142V, L43V, L143V, L42V.
Identifiers: ClinVar variation 2856442 (VCV002856442.3), dbSNP rs1412276376, ClinGen allele CA353563821.